The following is an entry in ClinVar:

NC_000006.12:g.(?_111331676)_(111482888_?)del

Genes: REV3L (REV3 like, DNA directed polymerase zeta catalytic subunit; minus strand), LOC129389613 (MPRA-validated peak6034 silencer; plus strand), LOC129389614 (MPRA-validated peak6035 silencer; plus strand), LOC129996987 (ATAC-STARR-seq lymphoblastoid active region 24943; plus strand), LOC129996988 (ATAC-STARR-seq lymphoblastoid active region 24944; plus strand) and 3 more. Cytogenetic location: 6q21.
Variant type: Deletion.
Identifiers: ClinVar variation 642057 (VCV000642057.6).

ClinVar aggregate classification (germline): Pathogenic (1 of 4 stars; one submission).

Submission:

Labcorp Genetics (formerly Invitae), Labcorp
Classification: Pathogenic. Last evaluated: 2018-11-30. Review status: criteria provided, single submitter. Criteria: Invitae Variant Classification Sherloc (09022015). Collection method: clinical testing. Allele origin: germline.
Comment: Loss-of-function variants in REV3L are known to be pathogenic (PMID: 26068067). For these reasons, this variant has been classified as Pathogenic. Similar deletions of REV3L exons 2-28 have not been reported in the literature in individuals with REV3L-related conditions. This variant is a gross deletion of the genomic region encompassing exons 2-28 of the REV3L gene, which includes the initiator codon. The 5' end of this event is unknown as it extends beyond the assayed region for this gene and therefore may encompass additional genes. The 3' boundary is likely confined to intron 28 of the REV3L gene. This is expected to result in an absent or disrupted protein product.

Literature cited by the submitters: PubMed 26068067.